The following is an entry in ClinVar:

ClinVar aggregate classification (germline): Uncertain significance. Review status: criteria provided, multiple submitters, no conflicts (2 of 4 stars). 2 submissions from 2 submitters: Uncertain significance (2). Last evaluated 2025-09-02.

Allele frequency attached by ClinVar (database versions not stated): gnomAD exomes 0.00002 and 0.00004; TOPMed 0.00003; gnomAD 0.00004; ExAC 0.00006; ESP Exome Variant Server 0.00015.
gnomAD v4.1: 36 of 1,612,790 alleles (0.0022%); highest among the groups gnomAD compares: Middle Eastern, 0.033%; no homozygotes.

Submissions (2):

Labcorp Genetics (formerly Invitae), Labcorp
Classification: Uncertain significance. Last evaluated: 2025-09-02. Review status: criteria provided, single submitter. Criteria: Invitae Variant Classification Sherloc (09022015). Collection method: clinical testing. Allele origin: germline.
Comment: This sequence change replaces asparagine, which is neutral and polar, with serine, which is neutral and polar, at codon 242 of the PRPF4 protein (p.Asn242Ser). This variant is present in population databases (rs200264755, gnomAD 0.01%). This variant has not been reported in the literature in individuals affected with PRPF4-related conditions. ClinVar contains an entry for this variant (Variation ID: 1432294). An algorithm developed to predict the effect of missense changes on protein structure and function (PolyPhen-2) suggests that this variant is likely to be disruptive. In summary, the available evidence is currently insufficient to determine the role of this variant in disease. Therefore, it has been classified as a Variant of Uncertain Significance.

Ambry Genetics
Classification: Uncertain significance. Last evaluated: 2025-06-23. Review status: criteria provided, single submitter. Criteria: Ambry Variant Classification Scheme 2023. Collection method: clinical testing. Allele origin: germline.

NM_001244926.2(PRPF4):c.722A>G (p.Asn241Ser)

Gene: PRPF4 (pre-mRNA splicing tri-snRNP complex factor PRPF4; plus strand). Cytogenetic location: 9q32.
Variant type: single nucleotide variant.
Coding change: c.722A>G on transcript NM_001244926.2 (MANE Select); coding-DNA position 722, A replaced by G.
Protein change: p.Asn241Ser; replaces asparagine 241 with serine.
Molecular consequence: missense variant. On other transcripts: 5 prime UTR variant (2), non-coding transcript variant (2).
Genome position (GRCh38, 1-based): chr9:113,284,362, A>G. VCF-style: chr9-113284362-A-G. GRCh37 (hg19) VCF-style: chr9-116046642-A-G.
Other names: c.-44A>G (NM_001322266.2, NM_001322267.2); c.725A>G, p.Asn242Ser (NM_004697.5); c.725A>G (NM_004697.4); short protein forms N241S, N242S.
Identifiers: ClinVar variation 1432294 (VCV001432294.7), dbSNP rs200264755, ClinGen allele CA5194979.